The following is an entry in ClinVar:

ClinVar aggregate classification (germline): Pathogenic (1 of 4 stars; one submission).

Conditions:
Holocarboxylase synthetase deficiency. Also called: MULTIPLE CARBOXYLASE DEFICIENCY, EARLY ONSET. Identifiers: Orphanet 79242, MedGen C0268581, MONDO:0009666, OMIM 253270.

Submission:

Labcorp Genetics (formerly Invitae), Labcorp
Classification: Pathogenic for Holocarboxylase synthetase deficiency. Last evaluated: 2023-04-14. Review status: criteria provided, single submitter. Criteria: Invitae Variant Classification Sherloc (09022015). Collection method: clinical testing. Allele origin: germline.
Comment: This sequence change creates a premature translational stop signal (p.Val344Cysfs*25) in the HLCS gene. It is expected to result in an absent or disrupted protein product. Loss-of-function variants in HLCS are known to be pathogenic (PMID: 16134170). This variant is not present in population databases (gnomAD no frequency). This variant has not been reported in the literature in individuals affected with HLCS-related conditions. For these reasons, this variant has been classified as Pathogenic.

Literature cited by the submitters: PubMed 16134170.

NM_001352514.2(HLCS):c.1471del (p.Val491fs)

Gene: HLCS (holocarboxylase synthetase; minus strand). Cytogenetic location: 21q22.13.
Variant type: Deletion.
Coding change: c.1471del on transcript NM_001352514.2 (MANE Select); coding-DNA position 1471, one base deleted (G; older notation c.1471delG).
Protein change: p.Val491fs; shifts the reading frame from valine 491.
Molecular consequence: frameshift variant. On other transcripts: non-coding transcript variant (2).
Genome position (GRCh38, 1-based): chr21:36,930,400, C deleted on the plus strand (G on the coding strand, the reverse complement: HLCS is on the minus strand). VCF-style (leftmost placement, unchanged base first): chr21-36930399-AC-A. GRCh37 (hg19) VCF-style: chr21-38302699-AC-A.
Other names: c.1030del, p.Val344fs (NM_000411.8, NM_001242784.3, NM_001242785.2 and 4 more transcripts); short protein forms V344fs, V491fs.
Identifiers: ClinVar variation 2856149 (VCV002856149.3), dbSNP rs2517547824, ClinGen allele CA2739267628.
Genomic context (GRCh38, chr21:36,930,399, plus strand): 5'-AGGACTTCGTATCTTCTAAAATTGCTTGACTTGAGCAAGTTAAAATCTTCTGGAGTTTGC[AC>A]TATGTTGGAGCTGGGAGGTAGTTCTAAGTGCACCTGAAGGGGAAAGATAGCACTATGTAA-3'